The following is an entry in ClinVar:

ClinVar aggregate classification (germline): Pathogenic (1 of 4 stars; one submission).

Conditions:
Hereditary pheochromocytoma and paraganglioma. Also called: Hereditary paragangliomas and pheochromocytomas; Hereditary Paraganglioma-Pheochromocytoma Syndromes; Hereditary pheochromocytoma-paraganglioma. Identifiers: Orphanet 29072, MedGen C4274332, MONDO:0017366.

Submission:

Labcorp Genetics (formerly Invitae), Labcorp
Classification: Pathogenic for Hereditary pheochromocytoma and paraganglioma. Last evaluated: 2023-07-07. Review status: criteria provided, single submitter. Criteria: Invitae Variant Classification Sherloc (09022015). Collection method: clinical testing. Allele origin: unknown.
Comment: For these reasons, this variant has been classified as Pathogenic. This variant disrupts a region of the MAX protein in which other variant(s) (p.Gln97*) have been determined to be pathogenic (PMID: 22452945, 29909963). This suggests that this is a clinically significant region of the protein, and that variants that disrupt it are likely to be disease-causing. This variant has not been reported in the literature in individuals affected with MAX-related conditions. This variant is a gross deletion of the genomic region encompassing exon(s) 4-5 of the MAX gene, which includes the termination codon. This deletion extends beyond the assayed region for this gene and therefore may encompass additional genes. While this deletion is not anticipated to lead to nonsense mediated decay, it is expected to alter mRNA translation or result in a truncated protein product.

Literature cited by the submitters: PubMed 22452945; PubMed 29909963.

NC_000014.8:g.(?_65543194)_(65544764_?)del

Gene: MAX (MYC associated transcriptional regulator X; minus strand). Cytogenetic location: 14q23.3.
Variant type: Deletion.
Identifiers: ClinVar variation 3243970 (VCV003243970.1).